The following is an entry in ClinVar:

ClinVar aggregate classification (germline): Uncertain significance (1 of 4 stars; one submission).

Allele frequency attached by ClinVar (database versions not stated): TOPMed below 0.00001.
gnomAD v4.1: 2 of 1,614,024 alleles (0.00012%); no homozygotes.

Submission:

Labcorp Genetics (formerly Invitae), Labcorp
Classification: Uncertain significance. Last evaluated: 2023-12-13. Review status: criteria provided, single submitter. Criteria: Invitae Variant Classification Sherloc (09022015). Collection method: clinical testing. Allele origin: germline.
Comment: This sequence change replaces lysine, which is basic and polar, with asparagine, which is neutral and polar, at codon 643 of the SCN3A protein (p.Lys643Asn). This variant is not present in population databases (gnomAD no frequency). This variant has not been reported in the literature in individuals affected with SCN3A-related conditions. Advanced modeling of protein sequence and biophysical properties (such as structural, functional, and spatial information, amino acid conservation, physicochemical variation, residue mobility, and thermodynamic stability) performed at Invitae indicates that this missense variant is not expected to disrupt SCN3A protein function with a negative predictive value of 80%. In summary, the available evidence is currently insufficient to determine the role of this variant in disease. Therefore, it has been classified as a Variant of Uncertain Significance.

NM_006922.4(SCN3A):c.1929G>T (p.Lys643Asn)

Gene: SCN3A (sodium voltage-gated channel alpha subunit 3; minus strand). Cytogenetic location: 2q24.3.
Variant type: single nucleotide variant.
Coding change: c.1929G>T on transcript NM_006922.4 (MANE Select); coding-DNA position 1929, G replaced by T.
Protein change: p.Lys643Asn; replaces lysine 643 with asparagine.
Molecular consequence: missense variant. On other transcripts: intron variant (2).
Genome position (GRCh38, 1-based): chr2:165,140,741, C>A on the plus strand (G>T on the coding strand, the complement: SCN3A is on the minus strand). VCF-style: chr2-165140741-C-A. GRCh37 (hg19) VCF-style: chr2-165997251-C-A.
Other names: c.1872+57G>T (NM_001081676.2, NM_001081677.2); short protein forms K643N.
Identifiers: ClinVar variation 2803169 (VCV002803169.3), dbSNP rs1687960070, ClinGen allele CA349046276.